The following is an entry in ClinVar:

ClinVar aggregate classification (germline): Uncertain significance (1 of 4 stars; one submission).

Conditions:
Autosomal dominant limb-girdle muscular dystrophy type 1F (LGMDD2). Also called: Limb-girdle muscular dystrophy, type 1F; MUSCULAR DYSTROPHY, LIMB-GIRDLE, AUTOSOMAL DOMINANT 2. Identifiers: Orphanet 55595, MedGen C1842062, MONDO:0012034, OMIM 608423.

gnomAD v4.1: 1 of 1,607,042 alleles (0.000062%); highest among the groups gnomAD compares: Non-Finnish European, 0.000085%; no homozygotes.

Submission:

Labcorp Genetics (formerly Invitae), Labcorp
Classification: Uncertain significance for Autosomal dominant limb-girdle muscular dystrophy type 1F. Last evaluated: 2025-05-21. Review status: criteria provided, single submitter. Criteria: Invitae Variant Classification Sherloc (09022015). Collection method: clinical testing. Allele origin: germline.
Comment: This sequence change replaces methionine, which is neutral and non-polar, with threonine, which is neutral and polar, at codon 688 of the TNPO3 protein (p.Met688Thr). This variant is not present in population databases (gnomAD no frequency). This variant has not been reported in the literature in individuals affected with TNPO3-related conditions. An algorithm developed to predict the effect of missense changes on protein structure and function (PolyPhen-2) suggests that this variant is likely to be tolerated. In summary, the available evidence is currently insufficient to determine the role of this variant in disease. Therefore, it has been classified as a Variant of Uncertain Significance.

NM_012470.4(TNPO3):c.2063T>C (p.Met688Thr)

Gene: TNPO3 (transportin 3; minus strand). Cytogenetic location: 7q32.1.
Variant type: single nucleotide variant.
Coding change: c.2063T>C on transcript NM_012470.4 (MANE Select); coding-DNA position 2063, T replaced by C.
Protein change: p.Met688Thr; replaces methionine 688 with threonine.
Molecular consequence: missense variant. On other transcripts: non-coding transcript variant (18).
Genome position (GRCh38, 1-based): chr7:128,975,934, A>G on the plus strand (T>C on the coding strand, the complement: TNPO3 is on the minus strand). VCF-style: chr7-128975934-A-G. GRCh37 (hg19) VCF-style: chr7-128615988-A-G.
Other names: c.1871T>C, p.Met624Thr (NM_001191028.3, NM_001382223.1); c.2165T>C, p.Met722Thr (NM_001382216.1); c.2144T>C, p.Met715Thr (NM_001382217.1); c.2063T>C, p.Met688Thr (NM_001382218.1); c.1955T>C, p.Met652Thr (NM_001382219.1); c.1922T>C, p.Met641Thr (NM_001382220.1); c.1919T>C, p.Met640Thr (NM_001382221.1); c.1916T>C, p.Met639Thr (NM_001382222.1); short protein forms M641T, M652T, M688T, M722T, M624T, M715T, M639T, M640T.
Identifiers: ClinVar variation 4754068 (VCV004754068.1).